The following is an entry in ClinVar:

ClinVar aggregate classification (germline): Pathogenic/Likely pathogenic. Review status: criteria provided, multiple submitters, no conflicts (2 of 4 stars). 8 submissions from 8 submitters: Pathogenic (7); Likely pathogenic (1). Last evaluated 2025-04-14.
ClinVar aggregate classification (somatic clinical impact): Tier I - Strong. Review status: criteria provided, single submitter (1 of 4 stars). 2 submissions from 1 submitter. Last evaluated 2025-06-24.

Conditions:
NRAS-related disorder. Also called: NRAS-related condition.
Noonan syndrome and Noonan-related syndrome. Identifiers: Orphanet 98733, MedGen C5681679, MONDO:0020297.
Colorectal cancer. Also called: Malignant Colorectal Neoplasm; Colorectal cancer, somatic. Identifiers: MedGen C0346629, MONDO:0005575, OMIM 114500.
Myelodysplastic syndrome progressed to acute myeloid leukemia.
RASopathy. Also called: rasopathies; Noonan spectrum disorder. Identifiers: Orphanet 536391, MedGen C5555857, MONDO:0021060.
Autoimmune lymphoproliferative syndrome type 4. Also called: AUTOIMMUNE LYMPHOPROLIFERATIVE SYNDROME, TYPE IV; RAS-associated autoimmune leukoproliferative disorder. Identifiers: Orphanet 268114, MedGen C2674723, MONDO:0013767, OMIM 614470.
Noonan syndrome 6 (NS6). Also called: NRAS-Related Noonan Syndrome. Identifiers: Orphanet 648, MedGen C2750732, MONDO:0013186, OMIM 613224.
Embryonal rhabdomyosarcoma (ERMS). Also called: Botryoid rhabdomyosarcoma (type of ERMS); Spindle cell rhabdomyosarcomas (type of ERMS). Identifiers: Orphanet 99757, MedGen C0206656, MONDO:0009993, HP:0006743.
Germinoma. Also called: Germinoma (disease). Identifiers: MedGen C0206660, MONDO:0002598, HP:0100620.

gnomAD v4.1: 1 of 1,613,974 alleles (0.000062%); highest among the groups gnomAD compares: Non-Finnish European, 0.000085%; no homozygotes.

Submissions (10):

Institute for Genomic Medicine (IGM) Clinical Laboratory, Nationwide Children's Hospital
Classification: Tier I - Strong for Embryonal rhabdomyosarcoma. Assertion type: diagnostic. Clinical significance: supports diagnosis. Last evaluated: 2025-06-24. Review status: criteria provided, single submitter. Criteria: AMP/ASCO/CAP Guidelines, 2017. Collection method: clinical testing. Allele origin: somatic. Affected: yes.
Comment: Variant has Tier I (strong) clinical significance as a diagnostic inclusion criterion in embryonal rhabdomyosarcoma, based on the following evidence: 1) Documented in one or more cancer databases (e.g., St. Jude Pecan, COSMIC, CIViC, OncoKB). 2) Appears in one or more well-established professional guidelines (e.g., World Health Organization [WHO]; National Comprehensive Cancer Network [NCCN]) as providing diagnostic, prognostic, or therapeutic information. 3) Information in the literature supports potential biologic effect of variant (PMID: 34117033). 4) Diagnostic for a specific tumor type/classification based on well-powered studies with expert-level consensus (Evidence Level B; PMIDs: 34166060, 24436047, 2680062, 19681119, 24332040, 25768946).

Victorian Clinical Genetics Services, Murdoch Childrens Research Institute
Classification: Pathogenic for Noonan syndrome 6. Last evaluated: 2025-04-14. Review status: criteria provided, single submitter. Criteria: ACMG Guidelines, 2015. Collection method: clinical testing. Allele origin: germline. Affected: no.
Comment: This variant is classified as Pathogenic. Evidence in support of pathogenic classification: Variant is present in gnomAD <0.001 for a dominant condition (v4: 1 heterozygote(s), 0 homozygote(s)); This variant has moderate previous evidence of pathogenicity in unrelated individuals. This variant has been classified as pathogenic or likely pathogenic by multiple clinical laboratories in ClinVar; Other missense variant(s) comparable to the one identified in this case have very strong previous evidence for pathogenicity. p.(Gly12Asp), p.(Gly12Ser), p.(Gly12Arg), p.(Gly12Cys), p.(Gly12Val) and p.(Gly12Phe) have all been classified as pathogenic or likely pathogenic by multiple clinical laboratories in ClinVar. Additional information: Variant is predicted to result in a missense amino acid change from glycine to alanine; This gene is associated with autosomal dominant disease; Alternative amino acid change(s) at the same position are present in gnomAD (Highest allele count: v4: 17 heterozygote(s), 0 homozygote(s)); Gain of function is a known mechanism of disease in this gene and is associated with NRAS-related conditions (OMIM); Variants in this gene are known to have variable expressivity. Noonan syndrome, caused by germline variants in the NRAS gene, have variable expressivity (PMID: 20301303).

3billion
Classification: Pathogenic for Autoimmune lymphoproliferative syndrome type 4. Last evaluated: 2025-02-11. Review status: criteria provided, single submitter. Criteria: ACMG Guidelines, 2015. Collection method: clinical testing. Allele origin: germline. Affected: yes.
Comment: The variant is observed at an extremely low frequency in the gnomAD v4.1.0 dataset (total allele frequency: <0.001%). Predicted Consequence/Location: Missense variant. Missense changes are a common disease-causing mechanism. In silico tool predictions suggest damaging effect of the variant on gene or gene product [REVEL: 0.69 (>=0.6, sensitivity 0.68 and specificity 0.92); 3Cnet: 0.98 (>=0.6, sensitivity 0.72 and precision 0.9)]. The same nucleotide change resulting in the same amino acid change has been previously reported as pathogenic/likely pathogenic with strong evidence (ClinVar ID: VCV000219097 /PMID: 32888943). Different missense changes at the same codon (p.Gly12Arg, p.Gly12Asp, p.Gly12Cys, p.Gly12Phe, p.Gly12Pro, p.Gly12Ser, p.Gly12Val) have been reported as pathogenic/likely pathogenic with strong evidence (ClinVar ID: VCV000039648, VCV000040468, VCV000040469, VCV000040470, VCV000177778, VCV003029607 /PMID: 23334668, 28594414, 30417923 /3billion dataset). Therefore, this variant is classified as Pathogenic according to the recommendation of ACMG/AMP guideline.

PreventionGenetics, part of Exact Sciences
Classification: Pathogenic for NRAS-related condition. Last evaluated: 2024-11-02. Review status: criteria provided, single submitter. Criteria: ACMG Guidelines, 2015. Collection method: clinical testing. Allele origin: germline.
Comment: The NRAS c.35G>C variant is predicted to result in the amino acid substitution p.Gly12Ala. This variant has been reported in an individual with primary immunodeficiency (Table S2, Platt et al. 2021. PubMed ID: 32888943). Alternate missense variant affecting this amino acid (p.Gly12Ser, p.Gly12Arg, p.Gly12Cys, p.Gly12Asp, p.Gly12Val) have been reported as pathogenic (ClinVar IDs: 177778, 40469, 40468, 39648, 40470). This variant has not been reported in a large population database (gnomAD), indicating this variant is rare. In ClinVar, this variant has been interpreted as pathogenic/likely pathogenic. This variant is interpreted as pathogenic.

GeneDx
Classification: Pathogenic. Last evaluated: 2024-03-29. Review status: criteria provided, single submitter. Criteria: GeneDx Variant Classification Process June 2021. Collection method: clinical testing. Allele origin: germline. Affected: yes.
Comment: Identified in an individual with a likely primary immunodeficiency, however additional clinical information was not provided (PMID: 32888943); Not observed at significant frequency in large population cohorts (gnomAD); In silico analysis supports that this missense variant has a deleterious effect on protein structure/function; This variant is associated with the following publications: (PMID: 14522897, 24006859, 25886136, 28594414, 28098151, 32888943)

Institute for Genomic Medicine (IGM) Clinical Laboratory, Nationwide Children's Hospital
Classification: Tier I - Strong for Germinoma. Assertion type: diagnostic. Clinical significance: supports diagnosis. Last evaluated: 2024-03-25. Review status: criteria provided, single submitter. Criteria: AMP/ASCO/CAP Guidelines, 2017. Collection method: clinical testing. Allele origin: somatic. Affected: yes.
Comment: Variant has Tier I (strong) clinical significance as a diagnostic inclusion criterion in germinoma, based on the following evidence: 1) Documented in one or more cancer databases (e.g., St. Jude Pecan, COSMIC, CIViC, OncoKB). 2) Appears in one or more well-established professional guidelines (e.g., World Health Organization [WHO]; National Comprehensive Cancer Network [NCCN]) as providing diagnostic, prognostic, or therapeutic information. 3) Information in the literature supports potential biologic effect of variant (PMIDs: 23487764, 25339142). 4) Diagnostic for a specific tumor type/classification based on well-powered studies with expert-level consensus (Evidence Level B).

Clinical Laboratory Sciences Program (CLSP), King Saud bin Abdulaziz University for Health Sciences (KSAU-HS)
Classification: Pathogenic for Colorectal cancer. Last evaluated: 2023-01-01. Review status: criteria provided, single submitter. Criteria: ACMG Guidelines, 2015. Collection method: clinical testing. Allele origin: germline. Affected: yes.
Comment: PM1, PM5, PP3, PM2, PP5

Labcorp Genetics (formerly Invitae), Labcorp
Classification: Likely pathogenic for RASopathy. Last evaluated: 2022-11-29. Review status: criteria provided, single submitter. Criteria: Invitae Variant Classification Sherloc (09022015). Collection method: clinical testing. Allele origin: germline.
Comment: This variant has not been reported in the literature in individuals affected with NRAS-related conditions. In summary, the currently available evidence indicates that the variant is pathogenic, but additional data are needed to prove that conclusively. Therefore, this variant has been classified as Likely Pathogenic. This variant disrupts the p.Gly12 amino acid residue in NRAS. Other variant(s) that disrupt this residue have been determined to be pathogenic (PMID: 28098151, 28594414). This suggests that this residue is clinically significant, and that variants that disrupt this residue are likely to be disease-causing. Advanced modeling of protein sequence and biophysical properties (such as structural, functional, and spatial information, amino acid conservation, physicochemical variation, residue mobility, and thermodynamic stability) performed at Invitae indicates that this missense variant is expected to disrupt NRAS protein function. ClinVar contains an entry for this variant (Variation ID: 219097). This variant is not present in population databases (gnomAD no frequency). This sequence change replaces glycine, which is neutral and non-polar, with alanine, which is neutral and non-polar, at codon 12 of the NRAS protein (p.Gly12Ala).

Genome Diagnostics Laboratory, The Hospital for Sick Children
Classification: Pathogenic for Noonan syndrome and Noonan-related syndrome. Last evaluated: 2018-08-01. Review status: criteria provided, single submitter. Criteria: ACMG Guidelines, 2015. Collection method: clinical testing. Allele origin: germline. Affected: yes.

Hospital of the University of Pennsylvania, Center for Personalized Diagnostics
Classification: Pathogenic for Myelodysplastic syndrome progressed to acute myeloid leukemia. Last evaluated: 2016-01-08. Review status: criteria provided, single submitter. Criteria: Assertion_Criteria_HUP. Collection method: clinical testing. Allele origin: somatic. Affected: yes.
Comment: Activating mutation

Literature cited by the submitters: PubMed 34117033 (cited by Institute for Genomic Medicine (IGM) Clinical Laboratory, Nationwide Children's Hospital); PubMed 34166060 (cited by Institute for Genomic Medicine (IGM) Clinical Laboratory, Nationwide Children's Hospital); PubMed 24436047 (cited by Institute for Genomic Medicine (IGM) Clinical Laboratory, Nationwide Children's Hospital); PubMed 2680062 (cited by Institute for Genomic Medicine (IGM) Clinical Laboratory, Nationwide Children's Hospital); PubMed 19681119 (cited by Institute for Genomic Medicine (IGM) Clinical Laboratory, Nationwide Children's Hospital); PubMed 24332040 (cited by Institute for Genomic Medicine (IGM) Clinical Laboratory, Nationwide Children's Hospital); PubMed 25768946 (cited by Institute for Genomic Medicine (IGM) Clinical Laboratory, Nationwide Children's Hospital); PubMed 20301303 (cited by Victorian Clinical Genetics Services, Murdoch Childrens Research Institute); PubMed 23334668 (cited by 3billion); PubMed 32888943 (cited by 3billion); PubMed 23487764 (cited by Institute for Genomic Medicine (IGM) Clinical Laboratory, Nationwide Children's Hospital); PubMed 25339142 (cited by Institute for Genomic Medicine (IGM) Clinical Laboratory, Nationwide Children's Hospital); PubMed 28098151 (cited by Labcorp Genetics (formerly Invitae), Labcorp); PubMed 28594414 (cited by Labcorp Genetics (formerly Invitae), Labcorp); PubMed 15951308 (cited by Hospital of the University of Pennsylvania, Center for Personalized Diagnostics).

NM_002524.5(NRAS):c.35G>C (p.Gly12Ala)

Gene: NRAS (NRAS proto-oncogene, GTPase; minus strand). Cytogenetic location: 1p13.2.
Variant type: single nucleotide variant.
Coding change: c.35G>C on transcript NM_002524.5 (MANE Select); coding-DNA position 35, G replaced by C.
Protein change: p.Gly12Ala; replaces glycine 12 with alanine.
Molecular consequence: missense variant.
Genome position (GRCh38, 1-based): chr1:114,716,126, C>G on the plus strand (G>C on the coding strand, the complement: NRAS is on the minus strand). VCF-style: chr1-114716126-C-G. GRCh37 (hg19) VCF-style: chr1-115258747-C-G.
Other names: c.35G>C (LRG_92t1); short protein forms G12A.
Identifiers: ClinVar variation 219097 (VCV000219097.25), dbSNP rs121913237, ClinGen allele CA280928.
Genomic context (GRCh38, chr1:114,716,126, plus strand): 5'-TATTCATCTACAAAGTGGTTCTGGATTAGCTGGATTGTCAGTGCGCTTTTCCCAACACCA[C>G]CTGCTCCAACCACCACCAGTTTGTACTCAGTCATTTCACACCAGCAAGAACCTGTTGGAA-3'
Protein context (NP_002515.1, residues 2-22): TEYKLVVVGA[Gly12Ala]GVGKSALTIQ